The following is an entry in ClinVar:

NM_152564.5(VPS13B):c.2738G>T (p.Ser913Ile)

Gene: VPS13B (vacuolar protein sorting 13 homolog B; plus strand). Cytogenetic location: 8q22.2.
Variant type: single nucleotide variant.
Coding change: c.2738G>T on transcript NM_152564.5 (MANE Select); coding-DNA position 2738, G replaced by T.
Protein change: p.Ser913Ile; replaces serine 913 with isoleucine.
Molecular consequence: missense variant.
Genome position (GRCh38, 1-based): chr8:99,275,168, G>T. VCF-style: chr8-99275168-G-T. GRCh37 (hg19) VCF-style: chr8-100287396-G-T.
Other names: c.2738G>T, p.Ser913Ile (NM_017890.5); short protein forms S913I.
Identifiers: ClinVar variation 2162053 (VCV002162053.1), dbSNP rs751622263, ClinGen allele CA371862583.

ClinVar aggregate classification (germline): Uncertain significance (1 of 4 stars; one submission).

Conditions:
Cohen syndrome (COH1). Also called: Cutis verticis gyrata, retinitis pigmentosa, and sensorineural deafness; PEPPER SYNDROME. Identifiers: Orphanet 193, MedGen C0265223, MONDO:0008999, OMIM 216550.

Allele frequency attached by ClinVar (database versions not stated): TOPMed below 0.00001; gnomAD 0.00001.
gnomAD v4.1: 5 of 1,612,852 alleles (0.00031%); highest among the groups gnomAD compares: East Asian, 0.011%; no homozygotes.

Submission:

Labcorp Genetics (formerly Invitae), Labcorp
Classification: Uncertain significance for Cohen syndrome. Last evaluated: 2022-06-07. Review status: criteria provided, single submitter. Criteria: Invitae Variant Classification Sherloc (09022015). Collection method: clinical testing. Allele origin: germline.
Comment: This sequence change replaces serine, which is neutral and polar, with isoleucine, which is neutral and non-polar, at codon 913 of the VPS13B protein (p.Ser913Ile). This variant is present in population databases (no rsID available, gnomAD 0.006%). This variant has not been reported in the literature in individuals affected with VPS13B-related conditions. Algorithms developed to predict the effect of missense changes on protein structure and function are either unavailable or do not agree on the potential impact of this missense change (SIFT: "Not Available"; PolyPhen-2: "Probably Damaging"; Align-GVGD: "Not Available"). In summary, the available evidence is currently insufficient to determine the role of this variant in disease. Therefore, it has been classified as a Variant of Uncertain Significance.